The following is an entry in ClinVar:

ClinVar aggregate classification (germline): Benign (1 of 4 stars; one submission).

Allele frequency attached by ClinVar (database versions not stated): 1000 Genomes Project 0.00040; gnomAD 0.00152.
gnomAD v4.1: 210 of 140,258 alleles (0.15%); highest among the groups gnomAD compares: Non-Finnish European, 0.28%; 1 homozygote.

Submission:

CeGaT Center for Human Genetics Tuebingen
Classification: Benign. Last evaluated: 2022-06-01. Review status: criteria provided, single submitter. Criteria: CeGaT Center For Human Genetics Tuebingen Variant Classification Criteria Version 2. Collection method: clinical testing. Allele origin: germline. Affected: yes. Observed: 1 variant allele.
Comment: SORL1: BS1, BS2

NM_003105.6(SORL1):c.528+2656A>G

Gene: SORL1 (sortilin related receptor 1; plus strand). Cytogenetic location: 11q24.1.
Variant type: single nucleotide variant.
Coding change: c.528+2656A>G on transcript NM_003105.6 (MANE Select); 2656 bases into the intron after coding-DNA position 528, A replaced by G.
Molecular consequence: intron variant.
Genome position (GRCh38, 1-based): chr11:121,480,899, A>G. VCF-style: chr11-121480899-A-G. GRCh37 (hg19) VCF-style: chr11-121351608-A-G.
Identifiers: ClinVar variation 2642471 (VCV002642471.24), dbSNP rs557150476, ClinGen allele CA229963446.